The following is an entry in ClinVar:

NM_000719.7(CACNA1C):c.5820G>C (p.Gln1940His)

Genes: CACNA1C (calcium voltage-gated channel subunit alpha1 C; plus strand), CACNA1C-AS1 (CACNA1C antisense RNA 1; minus strand). Cytogenetic location: 12p13.33.
Variant type: single nucleotide variant.
Coding change: c.5820G>C on transcript NM_000719.7 (MANE Select); coding-DNA position 5820, G replaced by C.
Protein change: p.Gln1940His; replaces glutamine 1940 with histidine.
Molecular consequence: missense variant.
Genome position (GRCh38, 1-based): chr12:2,688,482, G>C. VCF-style: chr12-2688482-G-C. GRCh37 (hg19) VCF-style: chr12-2797648-G-C.
Other names: c.5964G>C, p.Gln1988His (NM_001129827.2); c.5943G>C, p.Gln1981His (NM_001129829.2); c.5925G>C, p.Gln1975His (NM_001129830.3, NM_001167624.3); c.5904G>C, p.Gln1968His (NM_001129831.2); c.5880G>C, p.Gln1960His (NM_001129832.2); c.5877G>C, p.Gln1959His (NM_001129833.2, NM_001129834.2, NM_001129835.2); c.5871G>C, p.Gln1957His (NM_001129836.2); c.5844G>C, p.Gln1948His (NM_001129837.2, NM_001129838.2); and 6 more; short protein forms Q1957H, Q1959H, Q1988H, Q1937H, Q1948H, Q1981H, Q2000H, Q1929H.
Identifiers: ClinVar variation 1749896 (VCV001749896.4), dbSNP rs778658338, ClinGen allele CA6390000.
Genomic context (GRCh38, chr12:2,688,482, plus strand): 5'-ACTCACACTCCTTGTGTGTCCGCAGGCATTGGCAGTGGCAGGCCTGAGCCCCCTCCTCCA[G>C]AGAAGCCATTCCCCTGCCTCATTCCCTAGGCCTTTTGCCACCCCACCAGCCACACCTGGC-3'
Protein context (NP_000710.5, residues 1930-1950): LAVAGLSPLL[Gln1940His]RSHSPASFPR

ClinVar aggregate classification (germline): Conflicting classifications of pathogenicity. Review status: criteria provided, conflicting classifications (1 of 4 stars). 2 submissions from 2 submitters: Uncertain significance (1); Likely benign (1). Last evaluated 2025-12-08.

Conditions:
Cardiovascular phenotype. Identifiers: MedGen CN230736.
Long QT syndrome (LQTS). Identifiers: MedGen C0023976, MeSH D008133, MONDO:0002442. Disease mechanism: loss of function. Inheritance: Various modes of inheritance.

Allele frequency attached by ClinVar (database versions not stated): TOPMed 0.00001; gnomAD 0.00002; ExAC 0.00001.
gnomAD v4.1: 5 of 1,613,602 alleles (0.00031%); highest among the groups gnomAD compares: African/African-American, 0.0067%; no homozygotes.

Submissions (2):

Labcorp Genetics (formerly Invitae), Labcorp
Classification: Likely benign for Long QT syndrome. Last evaluated: 2025-12-08. Review status: criteria provided, single submitter. Criteria: Invitae Variant Classification Sherloc (09022015). Collection method: clinical testing. Allele origin: germline.

Ambry Genetics
Classification: Uncertain significance for Cardiovascular phenotype. Last evaluated: 2019-07-30. Review status: criteria provided, single submitter. Criteria: Ambry Variant Classification Scheme 2023. Collection method: clinical testing. Allele origin: germline.
Comment: The p.Q1940H variant (also known as c.5820G>C), located in coding exon 46 of the CACNA1C gene, results from a G to C substitution at nucleotide position 5820. The glutamine at codon 1940 is replaced by histidine, an amino acid with highly similar properties. This amino acid position is not well conserved in available vertebrate species. In addition, this alteration is predicted to be tolerated by in silico analysis. Since supporting evidence is limited at this time, the clinical significance of this alteration remains unclear.